The following is an entry in ClinVar:

NM_000057.4(BLM):c.952T>C (p.Cys318Arg)

Gene: BLM (BLM RecQ like helicase; plus strand). Cytogenetic location: 15q26.1.
Variant type: single nucleotide variant.
Coding change: c.952T>C on transcript NM_000057.4 (MANE Select); coding-DNA position 952, T replaced by C.
Protein change: p.Cys318Arg; replaces cysteine 318 with arginine.
Molecular consequence: missense variant. On other transcripts: 5 prime UTR variant (1).
Genome position (GRCh38, 1-based): chr15:90,751,939, T>C. VCF-style: chr15-90751939-T-C. GRCh37 (hg19) VCF-style: chr15-91295169-T-C.
Other names: c.952T>C, p.Cys318Arg (NM_001287246.2, NM_001287247.2); c.-340T>C (NM_001287248.2); c.952T>C (NM_000057.3); short protein forms C318R.
Identifiers: ClinVar variation 2863012 (VCV002863012.5), dbSNP rs2505400603, ClinGen allele CA393841949.

ClinVar aggregate classification (germline): Conflicting classifications of pathogenicity. Review status: criteria provided, conflicting classifications (1 of 4 stars). 3 submissions from 3 submitters: Uncertain significance (2); Likely benign (1). Last evaluated 2024-03-19.

Conditions:
Bloom syndrome (BLM). Also called: Bloom-Torre-Machacek syndrome. Identifiers: Orphanet 125, MedGen C0005859, MONDO:0008876, OMIM 210900.
Hereditary cancer-predisposing syndrome. Also called: Hereditary neoplastic syndrome; Tumor predisposition; Neoplastic Syndromes, Hereditary; Hereditary Cancer Syndrome. Identifiers: Orphanet 140162, MedGen C0027672, MeSH D009386, MONDO:0015356.

Submissions (3):

Quest Diagnostics Nichols Institute San Juan Capistrano
Classification: Uncertain significance. Last evaluated: 2024-03-19. Review status: criteria provided, single submitter. Criteria: Quest Diagnostics criteria. Collection method: clinical testing. Allele origin: unknown.
Comment: The BLM c.952T>C (p.Cys318Arg) variant has not been reported in individuals with BLM-related conditions in the published literature. It also has not been reported in large, multi-ethnic general populations (Genome Aggregation Database). Analysis of this variant using bioinformatics tools for the prediction of the effect of amino acid changes on protein structure and function yielded predictions that this variant is benign. Based on the available information, we are unable to determine the clinical significance of this variant.

Ambry Genetics
Classification: Likely benign for Hereditary cancer-predisposing syndrome. Last evaluated: 2024-01-16. Review status: criteria provided, single submitter. Criteria: Ambry Variant Classification Scheme 2023. Collection method: clinical testing. Allele origin: germline.

Labcorp Genetics (formerly Invitae), Labcorp
Classification: Uncertain significance for Bloom syndrome. Last evaluated: 2023-05-11. Review status: criteria provided, single submitter. Criteria: Invitae Variant Classification Sherloc (09022015). Collection method: clinical testing. Allele origin: germline.
Comment: In summary, the available evidence is currently insufficient to determine the role of this variant in disease. Therefore, it has been classified as a Variant of Uncertain Significance. Advanced modeling of protein sequence and biophysical properties (such as structural, functional, and spatial information, amino acid conservation, physicochemical variation, residue mobility, and thermodynamic stability) performed at Invitae indicates that this missense variant is not expected to disrupt BLM protein function. This variant has not been reported in the literature in individuals affected with BLM-related conditions. This variant is not present in population databases (gnomAD no frequency). This sequence change replaces cysteine, which is neutral and slightly polar, with arginine, which is basic and polar, at codon 318 of the BLM protein (p.Cys318Arg).